The following is an entry in ClinVar:

NM_022367.4(SEMA4A):c.34A>T (p.Ser12Cys)

Genes: SEMA4A (semaphorin 4A; plus strand), LOC129931603 (ATAC-STARR-seq lymphoblastoid active region 1849; plus strand). Cytogenetic location: 1q22.
Variant type: single nucleotide variant.
Coding change: c.34A>T on transcript NM_022367.4 (MANE Select); coding-DNA position 34, A replaced by T.
Protein change: p.Ser12Cys; replaces serine 12 with cysteine.
Molecular consequence: missense variant. On other transcripts: 5 prime UTR variant (1), intron variant (3).
Genome position (GRCh38, 1-based): chr1:156,154,612, A>T. VCF-style: chr1-156154612-A-T. GRCh37 (hg19) VCF-style: chr1-156124403-A-T.
Other names: c.34A>T, p.Ser12Cys (NM_001193300.2, NM_001193301.2, NM_001370567.1); c.-491A>T (NM_001370571.1); c.-385-1802A>T (NM_001370569.1); c.-158-1802A>T (NM_001370568.1); c.-159+848A>T (NM_001193302.2); short protein forms S12C.
Identifiers: ClinVar variation 1523345 (VCV001523345.9), dbSNP rs2102932737, ClinGen allele CA342833821.
Genomic context (GRCh38, chr1:156,154,612, plus strand): 5'-CTCCCTGGTGACAGTCTGTGGCTGAGCATGGCCCTCCCAGCCCTGGGCCTGGACCCCTGG[A>T]GCCTCCTGGGCCTTTTCCTCTTCCAACTGCTTCAGCTGCTGCTGCCGACGACGACCGCGG-3'
Protein context (NP_071762.2, residues 2-22): ALPALGLDPW[Ser12Cys]LLGLFLFQLL

ClinVar aggregate classification (germline): Uncertain significance. Review status: criteria provided, multiple submitters, no conflicts (2 of 4 stars). 2 submissions from 2 submitters: Uncertain significance (2). Last evaluated 2025-03-17.

Submissions (2):

Labcorp Genetics (formerly Invitae), Labcorp
Classification: Uncertain significance. Last evaluated: 2025-03-17. Review status: criteria provided, single submitter. Criteria: Invitae Variant Classification Sherloc (09022015). Collection method: clinical testing. Allele origin: germline.
Comment: This sequence change replaces serine, which is neutral and polar, with cysteine, which is neutral and slightly polar, at codon 12 of the SEMA4A protein (p.Ser12Cys). This variant is not present in population databases (gnomAD no frequency). This variant has not been reported in the literature in individuals affected with SEMA4A-related conditions. ClinVar contains an entry for this variant (Variation ID: 1523345). An algorithm developed to predict the effect of missense changes on protein structure and function (PolyPhen-2) suggests that this variant is likely to be disruptive. In summary, the available evidence is currently insufficient to determine the role of this variant in disease. Therefore, it has been classified as a Variant of Uncertain Significance.

Blueprint Genetics
Classification: Uncertain significance. Last evaluated: 2021-10-20. Review status: criteria provided, single submitter. Criteria: ACMG Guidelines, 2015. Collection method: clinical testing. Allele origin: germline.